The following is an entry in ClinVar:

ClinVar aggregate classification (germline): Likely benign. Review status: criteria provided, multiple submitters, no conflicts (2 of 4 stars). 2 submissions from 2 submitters: Likely benign (2). Last evaluated 2023-04-01.

Conditions:
Congenital adrenal hypoplasia, X-linked (AHC). Also called: ADRENAL HYPOPLASIA, CONGENITAL, WITH HYPOGONADOTROPIC HYPOGONADISM; Isolated X-Linked Adrenal Hypoplasia Congenita; X-linked AHC; X-Linked Adrenal Hypoplasia Congenita. Identifiers: Orphanet 95702, MedGen C0342482, MONDO:0010264, OMIM 300200. Disease mechanism: loss of function.
46,XY sex reversal 2. Also called: 46XY sex reversal 2, dosage-sensitive; NR0B1-Related 46,XY CGD; NR0B1-related 46,XY complete gonadal dysgenesis; Dosage-sensitive sex reversal; 46,XY SEX REVERSAL, DAX1-RELATED. Identifiers: MedGen C1848296, MONDO:0010226, OMIM 300018.

gnomAD v4.1: 1 of 1,200,411 alleles (0.000083%); highest among the groups gnomAD compares: Non-Finnish European, 0.00011%; no homozygotes.

Submissions (2):

Labcorp Genetics (formerly Invitae), Labcorp
Classification: Likely benign for Congenital adrenal hypoplasia, X-linked; 46,XY sex reversal 2. Last evaluated: 2023-04-01. Review status: criteria provided, single submitter. Criteria: Invitae Variant Classification Sherloc (09022015). Collection method: clinical testing. Allele origin: germline.

CeGaT Center for Human Genetics Tuebingen
Classification: Likely benign. Last evaluated: 2022-11-01. Review status: criteria provided, single submitter. Criteria: CeGaT Center For Human Genetics Tuebingen Variant Classification Criteria Version 2. Collection method: clinical testing. Allele origin: germline. Affected: yes. Observed: 1 variant allele.
Comment: NR0B1: PM2:Supporting, BP4, BP7

NM_000475.5(NR0B1):c.669G>T (p.Ala223=)

Gene: NR0B1 (nuclear receptor subfamily 0 group B member 1; minus strand). Cytogenetic location: Xp21.2.
Variant type: single nucleotide variant.
Coding change: c.669G>T on transcript NM_000475.5 (MANE Select); coding-DNA position 669, G replaced by T.
Protein change: p.Ala223=; no amino-acid change (alanine 223 retained).
Molecular consequence: synonymous variant.
Genome position (GRCh38, 1-based): chrX:30,308,695, C>A on the plus strand (G>T on the coding strand, the complement: NR0B1 is on the minus strand). VCF-style: chrX-30308695-C-A. GRCh37 (hg19) VCF-style: chrX-30326812-C-A.
Identifiers: ClinVar variation 2660233 (VCV002660233.27), dbSNP rs1311357786, ClinGen allele CA515946412.